The following is an entry in ClinVar:

ClinVar aggregate classification (germline): Likely pathogenic. Review status: reviewed by expert panel (3 of 4 stars). 4 submissions from 4 submitters: Likely pathogenic (1). 3 of the submissions do not count toward it. Last evaluated 2025-10-28.

Conditions:
Inborn genetic diseases. Identifiers: MedGen C0950123, MeSH D030342.
ABCA4-related retinopathy. Also called: ABCA4 retinoapthy; ABCA4-related retinoapthy. Identifiers: MedGen CN322612, MONDO:0800406.

Allele frequency attached by ClinVar (database versions not stated): gnomAD exomes below 0.00001; TOPMed below 0.00001.
gnomAD v4.1: 1 of 1,613,424 alleles (0.000062%); highest among the groups gnomAD compares: Non-Finnish European, 0.000085%; no homozygotes.

Submissions (4):

ClinGen ABCA4 Variant Curation Expert Panel, Clingen
Classification: Likely pathogenic for ABCA4-related retinopathy. Last evaluated: 2025-10-28. Review status: reviewed by expert panel. Criteria: ClinGen ABCA4 ACMG Specifications V1.0.0. Collection method: curation. Allele origin: germline. Inheritance: Autosomal recessive inheritance.
Comment: The NM_000350.3(ABCA4):c.629T>A variant in ABCA4 is a missense variant predicted to cause substitution of leucine by glutamine at amino acid 210 (p.Leu210Gln). The total minor allele frequency in gnomAD v4.1.0 is 0.0000006198 (1/1613424 alleles), which is lower than the ClinGen ABCA4 VCEP’s threshold for PM2_Supporting (<0.0001). The computational predictor REVEL gives a score of 0.879 which is above the threshold of >0.772, evidence that predicts a damaging effect on ABCA4 function (PP3_Moderate). This variant has been detected in at least four individuals with ABCA4-related retinopathy, who were compound heterozygous for the variant and a likely pathogenic or pathogenic variant, with one confirmed via parental testing and three with phase unconfirmed (PMIDs: 32751377, 32915376, Zolnikova I.V. et al Ophthalmology in Russia. 2021, ClinVar IDs: SCV001239990.1 and SCV002993733.3; PM3_Strong). In summary, this variant meets the criteria to be classified as a likely pathogenic for ABCA4-related retinopathy based on the ACMG/AMP criteria applied, as specified by the ClinGen ABCA4 VCEP (Specification Version 1.0.0): PM2_Supporting, PP3_Moderate, PM3_Strong.

Ambry Genetics
Classification: Uncertain significance for Inborn genetic diseases. Last evaluated: 2022-12-13. Review status: criteria provided, single submitter. Criteria: Ambry Variant Classification Scheme 2023. Collection method: clinical testing. Allele origin: germline. Not counted in ClinVar's aggregate classification.

Labcorp Genetics (formerly Invitae), Labcorp
Classification: Pathogenic. Last evaluated: 2022-11-19. Review status: criteria provided, single submitter. Criteria: Invitae Variant Classification Sherloc (09022015). Collection method: clinical testing. Allele origin: germline. Not counted in ClinVar's aggregate classification.
Comment: ClinVar contains an entry for this variant (Variation ID: 866421). For these reasons, this variant has been classified as Pathogenic. Advanced modeling of protein sequence and biophysical properties (such as structural, functional, and spatial information, amino acid conservation, physicochemical variation, residue mobility, and thermodynamic stability) performed at Invitae indicates that this missense variant is expected to disrupt ABCA4 protein function. This missense change has been observed in individual(s) with clinical features of ABCA4-related conditions (Invitae). In at least one individual the data is consistent with being in trans (on the opposite chromosome) from a pathogenic variant. It has also been observed to segregate with disease in related individuals. This variant is not present in population databases (gnomAD no frequency). This sequence change replaces leucine, which is neutral and non-polar, with glutamine, which is neutral and polar, at codon 210 of the ABCA4 protein (p.Leu210Gln).

Blueprint Genetics
Classification: Uncertain significance. Last evaluated: 2018-04-10. Review status: criteria provided, single submitter. Criteria: ACMG Guidelines, 2015. Collection method: clinical testing. Allele origin: germline. Not counted in ClinVar's aggregate classification.

NM_000350.3(ABCA4):c.629T>A (p.Leu210Gln)

Gene: ABCA4 (ATP binding cassette subfamily A member 4; minus strand). Cytogenetic location: 1p22.1.
Variant type: single nucleotide variant.
Coding change: c.629T>A on transcript NM_000350.3 (MANE Select); coding-DNA position 629, T replaced by A.
Protein change: p.Leu210Gln; replaces leucine 210 with glutamine.
Molecular consequence: missense variant.
Genome position (GRCh38, 1-based): chr1:94,098,933, A>T on the plus strand (T>A on the coding strand, the complement: ABCA4 is on the minus strand). VCF-style: chr1-94098933-A-T. GRCh37 (hg19) VCF-style: chr1-94564489-A-T.
Other names: NM_000350.3(ABCA4):c.629T>A; p.Leu210Gln; c.629T>A, p.Leu210Gln (NM_001425324.1); short protein forms L210Q.
Identifiers: ClinVar variation 866421 (VCV000866421.8), dbSNP rs1246844424, ClinGen allele CA341289668.